The following is an entry in ClinVar:

NM_000400.4(ERCC2):c.1234A>G (p.Lys412Glu)

Gene: ERCC2 (ERCC excision repair 2, TFIIH core complex helicase subunit; minus strand). Cytogenetic location: 19q13.32.
Variant type: single nucleotide variant.
Coding change: c.1234A>G on transcript NM_000400.4 (MANE Select); coding-DNA position 1234, A replaced by G.
Protein change: p.Lys412Glu; replaces lysine 412 with glutamic acid.
Molecular consequence: missense variant.
Genome position (GRCh38, 1-based): chr19:45,361,527, T>C on the plus strand (A>G on the coding strand, the complement: ERCC2 is on the minus strand). VCF-style: chr19-45361527-T-C. GRCh37 (hg19) VCF-style: chr19-45864785-T-C.
Other names: c.1162A>G, p.Lys388Glu (NM_001130867.2); short protein forms K412E, K388E.
Identifiers: ClinVar variation 1756386 (VCV001756386.2), dbSNP rs2514023087, ClinGen allele CA406369780.

ClinVar aggregate classification (germline): Uncertain significance (1 of 4 stars; one submission).

Conditions:
Inborn genetic diseases. Identifiers: MedGen C0950123, MeSH D030342.

Submission:

Ambry Genetics
Classification: Uncertain significance for Inborn genetic diseases. Last evaluated: 2023-10-11. Review status: criteria provided, single submitter. Criteria: Ambry Variant Classification Scheme 2023. Collection method: clinical testing. Allele origin: germline.
Comment: The p.K412E variant (also known as c.1234A>G), located in coding exon 12 of the ERCC2 gene, results from an A to G substitution at nucleotide position 1234. The lysine at codon 412 is replaced by glutamic acid, an amino acid with similar properties. This amino acid position is conserved. In addition, the in silico prediction for this alteration is inconclusive. Since supporting evidence is limited at this time, the clinical significance of this alteration remains unclear.